The following is an entry in ClinVar:

ClinVar aggregate classification (germline): Uncertain significance (1 of 4 stars; one submission).

Submission:

Mayo Clinic Laboratories, Mayo Clinic
Classification: Uncertain significance. Last evaluated: 2023-06-21. Review status: criteria provided, single submitter. Criteria: ACMG Guidelines, 2015. Collection method: clinical testing. Allele origin: germline. Observed: 1 variant allele.
Comment: PP3, PM2

NM_002439.5(MSH3):c.917T>A (p.Val306Asp)

Genes: MSH3 (mutS homolog 3; plus strand), LOC126807437 (MED14-independent group 3 enhancer GRCh37_chr5:79968379-79969578; plus strand). Cytogenetic location: 5q14.1.
Variant type: single nucleotide variant.
Coding change: c.917T>A on transcript NM_002439.5 (MANE Select); coding-DNA position 917, T replaced by A.
Protein change: p.Val306Asp; replaces valine 306 with aspartic acid.
Molecular consequence: missense variant.
Genome position (GRCh38, 1-based): chr5:80,672,748, T>A. VCF-style: chr5-80672748-T-A. GRCh37 (hg19) VCF-style: chr5-79968567-T-A.
Other names: p.Val306Asp; short protein forms V306D.
Identifiers: ClinVar variation 2682892 (VCV002682892.1), dbSNP rs2546722835, ClinGen allele CA360267328.